The following is an entry in ClinVar:

ClinVar aggregate classification (germline): Conflicting classifications of pathogenicity. Review status: criteria provided, conflicting classifications (1 of 4 stars). 5 submissions from 5 submitters: Uncertain significance (4); Likely benign (1). Last evaluated 2026-01-05.

Conditions:
Hereditary breast ovarian cancer syndrome. Also called: Hereditary breast and ovarian cancer; Hereditary breast and ovarian cancer syndrome (HBOC); Breast and ovarian cancer; Hereditary breast and ovarian cancer syndrome; BRCA1- and BRCA2-Associated Hereditary Breast and Ovarian Cancer; Hereditary breast and/or ovarian cancer syndrome. Identifiers: Orphanet 145, MedGen C0677776, MeSH D061325, MONDO:0003582. Disease mechanism: loss of function.
Hereditary cancer-predisposing syndrome. Also called: Tumor predisposition; Neoplastic Syndromes, Hereditary; Hereditary neoplastic syndrome; Hereditary Cancer Syndrome. Identifiers: Orphanet 140162, MedGen C0027672, MeSH D009386, MONDO:0015356.

Submissions (5):

Labcorp Genetics (formerly Invitae), Labcorp
Classification: Uncertain significance for Hereditary breast ovarian cancer syndrome. Last evaluated: 2026-01-05. Review status: criteria provided, single submitter. Criteria: Invitae Variant Classification Sherloc (09022015). Collection method: clinical testing. Allele origin: germline.
Comment: This sequence change replaces alanine, which is neutral and non-polar, with valine, which is neutral and non-polar, at codon 1670 of the BRCA2 protein (p.Ala1670Val). This variant is not present in population databases (gnomAD no frequency). This variant has not been reported in the literature in individuals affected with BRCA2-related conditions. ClinVar contains an entry for this variant (Variation ID: 632714). Invitae Evidence Modeling of protein sequence and biophysical properties (such as structural, functional, and spatial information, amino acid conservation, physicochemical variation, residue mobility, and thermodynamic stability) indicates that this missense variant is not expected to disrupt BRCA2 protein function with a negative predictive value of 95%. In summary, the available evidence is currently insufficient to determine the role of this variant in disease. Therefore, it has been classified as a Variant of Uncertain Significance.

Women's Health and Genetics/Laboratory Corporation of America, LabCorp
Classification: Uncertain significance. Last evaluated: 2025-07-17. Review status: criteria provided, single submitter. Criteria: LabCorp Variant Classification Summary - May 2015. Collection method: clinical testing. Allele origin: germline.
Comment: Variant summary: BRCA2 c.5009C>T (p.Ala1670Val) results in a non-conservative amino acid change in the encoded protein sequence. Algorithms developed to predict the effect of missense changes on protein structure and function are either unavailable or do not agree on the potential impact of this missense change. The variant was absent in 233528 control chromosomes. The available data on variant occurrences in the general population are insufficient to allow any conclusion about variant significance. To our knowledge, no occurrence of c.5009C>T in individuals affected with Hereditary Breast And Ovarian Cancer Syndrome and no experimental evidence demonstrating its impact on protein function have been reported. ClinVar contains an entry for this variant (Variation ID: 632714). Based on the evidence outlined above, the variant was classified as uncertain significance.

Ambry Genetics
Classification: Uncertain significance for Hereditary cancer-predisposing syndrome. Last evaluated: 2023-07-05. Review status: criteria provided, single submitter. Criteria: Ambry Variant Classification Scheme 2023. Collection method: clinical testing. Allele origin: germline.
Comment: The p.A1670V variant (also known as c.5009C>T), located in coding exon 10 of the BRCA2 gene, results from a C to T substitution at nucleotide position 5009. The alanine at codon 1670 is replaced by valine, an amino acid with similar properties. This amino acid position is not well conserved in available vertebrate species. In addition, the in silico prediction for this alteration is inconclusive. Since supporting evidence is limited at this time, the clinical significance of this alteration remains unclear.

University of Washington Department of Laboratory Medicine, University of Washington
Classification: Likely benign for Hereditary cancer-predisposing syndrome. Last evaluated: 2023-03-23. Review status: criteria provided, single submitter. Criteria: Dines et al. (Genet Med. 2020). Collection method: curation. Allele origin: germline.
Comment: Missense variant in a coldspot region where missense variants are very unlikely to be pathogenic (PMID:31911673).

BRCA2 exon 11 coldspot. Reclassification based on statistical prior probability.

Color Diagnostics, LLC DBA Color Health
Classification: Uncertain significance for Hereditary cancer-predisposing syndrome. Last evaluated: 2019-06-05. Review status: criteria provided, single submitter. Criteria: ACMG Guidelines, 2015. Collection method: clinical testing. Allele origin: germline.

NM_000059.4(BRCA2):c.5009C>T (p.Ala1670Val)

Gene: BRCA2 (BRCA2 DNA repair associated; plus strand). Cytogenetic location: 13q13.1.
Variant type: single nucleotide variant.
Coding change: c.5009C>T on transcript NM_000059.4 (MANE Select); coding-DNA position 5009, C replaced by T.
Protein change: p.Ala1670Val; replaces alanine 1670 with valine.
Molecular consequence: missense variant.
Genome position (GRCh38, 1-based): chr13:32,339,364, C>T. VCF-style: chr13-32339364-C-T. GRCh37 (hg19) VCF-style: chr13-32913501-C-T.
Other names: short protein forms A1670V.
Identifiers: ClinVar variation 632714 (VCV000632714.9), dbSNP rs1566231551, ClinGen allele CA387783940.